The following is an entry in ClinVar:

ClinVar aggregate classification (germline): Conflicting classifications of pathogenicity. Review status: criteria provided, conflicting classifications (1 of 4 stars). 7 submissions from 7 submitters: Uncertain significance (5); Benign (1); Likely benign (1). Last evaluated 2026-03-01.

Conditions:
Familial temporal lobe epilepsy 7. Identifiers: Orphanet 101046, MedGen C4225327, MONDO:0014639, OMIM 616436.
Norman-Roberts syndrome (LIS2). Also called: Lissencephaly 2 (Norman-Roberts type). Identifiers: Orphanet 89844, MedGen C0796089, MONDO:0009760, OMIM 257320.
Epilepsy, familial temporal lobe, 1. Identifiers: Orphanet 101046, MedGen CN030884, MONDO:0700090, OMIM 600512.
Inborn genetic diseases. Identifiers: MedGen C0950123, MeSH D030342.

Allele frequency attached by ClinVar (database versions not stated): ExAC 0.00029; TOPMed 0.00030; gnomAD exomes 0.00034 and 0.00064; gnomAD 0.00040 and 0.00041; ESP Exome Variant Server 0.00077.
gnomAD v4.1: 983 of 1,614,018 alleles (0.061%); highest among the groups gnomAD compares: Non-Finnish European, 0.075%; 1 homozygote.

Submissions (7):

CeGaT Center for Human Genetics Tuebingen
Classification: Likely benign. Last evaluated: 2026-03-01. Review status: criteria provided, single submitter. Criteria: CeGaT Center For Human Genetics Tuebingen Variant Classification Criteria Version 2. Collection method: clinical testing. Allele origin: germline. Affected: yes. Observed: 2 variant alleles.
Comment: RELN: BP4, BS1

Labcorp Genetics (formerly Invitae), Labcorp
Classification: Benign for Familial temporal lobe epilepsy 7; Norman-Roberts syndrome. Last evaluated: 2026-01-11. Review status: criteria provided, single submitter. Criteria: Invitae Variant Classification Sherloc (09022015). Collection method: clinical testing. Allele origin: germline.

Ambry Genetics
Classification: Uncertain significance for Inborn genetic diseases. Last evaluated: 2022-12-28. Review status: criteria provided, single submitter. Criteria: Ambry Variant Classification Scheme 2023. Collection method: clinical testing. Allele origin: germline.

Fulgent Genetics
Classification: Uncertain significance for Norman-Roberts syndrome; Epilepsy, familial temporal lobe, 1; Familial temporal lobe epilepsy 7. Last evaluated: 2021-07-01. Review status: criteria provided, single submitter. Criteria: ACMG Guidelines, 2015. Collection method: clinical testing. Allele origin: unknown.

Mayo Clinic Laboratories, Mayo Clinic
Classification: Uncertain significance for Familial temporal lobe epilepsy 7; Norman-Roberts syndrome. Last evaluated: 2017-05-01. Review status: criteria provided, single submitter. Criteria: ACMG Guidelines, 2015. Collection method: clinical testing. Allele origin: paternal.

Athena Diagnostics
Classification: Uncertain significance. Last evaluated: 2017-04-28. Review status: criteria provided, single submitter. Criteria: Athena Diagnostics Criteria. Collection method: clinical testing. Allele origin: germline.

Eurofins Ntd Llc (ga)
Classification: Uncertain significance. Last evaluated: 2015-07-23. Review status: criteria provided, single submitter. Criteria: EGL Classification Definitions 2015. Collection method: clinical testing. Allele origin: germline. Observed: 1 variant allele, 1 heterozygote.

NM_005045.4(RELN):c.5822T>C (p.Val1941Ala)

Gene: RELN (reelin; minus strand). Cytogenetic location: 7q22.1.
Variant type: single nucleotide variant.
Coding change: c.5822T>C on transcript NM_005045.4 (MANE Select); coding-DNA position 5822, T replaced by C.
Protein change: p.Val1941Ala; replaces valine 1941 with alanine.
Molecular consequence: missense variant.
Genome position (GRCh38, 1-based): chr7:103,553,807, A>G on the plus strand (T>C on the coding strand, the complement: RELN is on the minus strand). VCF-style: chr7-103553807-A-G. GRCh37 (hg19) VCF-style: chr7-103194254-A-G.
Other names: c.5822T>C, p.Val1941Ala (NM_173054.3); short protein forms V1941A.
Identifiers: ClinVar variation 281632 (VCV000281632.46), dbSNP rs149837553, ClinGen allele CA4421095.